The following is an entry in ClinVar:

ClinVar aggregate classification (germline): Conflicting classifications of pathogenicity. Review status: criteria provided, conflicting classifications (1 of 4 stars). 4 submissions from 4 submitters: Likely pathogenic (1); Uncertain significance (3). Last evaluated 2025-08-18.

Conditions:
MYBPC3-related disorder. Also called: MYBPC3-related disorders; MYBPC3-related condition; MYBPC3-related disease.
Cardiovascular phenotype. Identifiers: MedGen CN230736.
Hypertrophic cardiomyopathy. Also called: HYPERTROPHIC MYOCARDIOPATHY. Identifiers: Orphanet 217569, MedGen C0007194, MeSH D002312, MONDO:0005045, HP:0001639.

Submissions (4):

Labcorp Genetics (formerly Invitae), Labcorp
Classification: Uncertain significance for Hypertrophic cardiomyopathy. Last evaluated: 2025-08-18. Review status: criteria provided, single submitter. Criteria: Invitae Variant Classification Sherloc (09022015). Collection method: clinical testing. Allele origin: germline.
Comment: This sequence change replaces cysteine, which is neutral and slightly polar, with tyrosine, which is neutral and polar, at codon 1202 of the MYBPC3 protein (p.Cys1202Tyr). This variant is not present in population databases (gnomAD no frequency). This missense change has been observed in individual(s) with hypertrophic cardiomyopathy (PMID: 25611685, 27532257, 33782553, 36252119, 37652022). ClinVar contains an entry for this variant (Variation ID: 164029). An algorithm developed to predict the effect of missense changes on protein structure and function (PolyPhen-2) suggests that this variant is likely to be disruptive. In summary, the available evidence is currently insufficient to determine the role of this variant in disease. Therefore, it has been classified as a Variant of Uncertain Significance.

Blueprint Genetics
Classification: Likely pathogenic for MYBPC3-related disorders. Last evaluated: 2023-02-23. Review status: criteria provided, single submitter. Criteria: ACMG Guidelines, 2015. Collection method: clinical testing. Allele origin: germline. Affected: yes. Observed: 5 variant alleles.

Ambry Genetics
Classification: Uncertain significance for Cardiovascular phenotype. Last evaluated: 2022-10-07. Review status: criteria provided, single submitter. Criteria: Ambry Variant Classification Scheme 2023. Collection method: clinical testing. Allele origin: germline.
Comment: The p.C1202Y variant (also known as c.3605G>A), located in coding exon 32 of the MYBPC3 gene, results from a G to A substitution at nucleotide position 3605. The cysteine at codon 1202 is replaced by tyrosine, an amino acid with highly dissimilar properties. This variant has been detected in hypertrophic cardiomyopathy (HCM) cohorts or cohorts referred for HCM genetic testing; however, clinical details were limited and some reports may overlap (Alfares AA. Genet Med. 2015 Nov;17(11):880-8; Ingles J et al. Circ Cardiovasc Genet. 2017 Apr;10(2); Walsh R et al. Genet Med, 2017 02;19:192-203; Helms AS et al. Circ Genom Precis Med, 2020 10;13:396-405). This amino acid position is highly conserved in available vertebrate species. In addition, this alteration is predicted to be deleterious by in silico analysis. Since supporting evidence is limited at this time, the clinical significance of this alteration remains unclear.

Laboratory for Molecular Medicine, Mass General Brigham Personalized Medicine
Classification: Uncertain significance. Last evaluated: 2021-06-22. Review status: criteria provided, single submitter. Criteria: ACMG Guidelines, 2015. Collection method: clinical testing. Allele origin: germline.
Comment: The p.Cys1202Tyr variant in MYBPC3 has been reported in 1 individual with hypertrophic cardiomyopathy (HCM; Alfares 2015 PMID: 25611685, Walsh 2017 PMID: 27532257, LMM data) and was absent from large population studies. Computational prediction tools and conservation analyses suggest that this variant may impact the protein, though this information is not predictive enough to determine pathogenicity. In summary, the clinical significance of this variant is uncertain. ACMG/AMP Criteria applied: PM2_Supporting, PP3.

Literature cited by the submitters: PubMed 25611685 (cited by Labcorp Genetics (formerly Invitae), Labcorp and Laboratory for Molecular Medicine, Mass General Brigham Personalized Medicine); PubMed 27532257 (cited by 3 submitters); PubMed 33782553 (cited by Labcorp Genetics (formerly Invitae), Labcorp); PubMed 36252119 (cited by Labcorp Genetics (formerly Invitae), Labcorp); PubMed 37652022 (cited by Labcorp Genetics (formerly Invitae), Labcorp); PubMed 32841044 (cited by Ambry Genetics).

NM_000256.3(MYBPC3):c.3605G>A (p.Cys1202Tyr)

Gene: MYBPC3 (myosin binding protein C3; minus strand). Cytogenetic location: 11p11.2.
Variant type: single nucleotide variant.
Coding change: c.3605G>A on transcript NM_000256.3 (MANE Select); coding-DNA position 3605, G replaced by A.
Protein change: p.Cys1202Tyr; replaces cysteine 1202 with tyrosine.
Molecular consequence: missense variant.
Genome position (GRCh38, 1-based): chr11:47,332,588, C>T on the plus strand (G>A on the coding strand, the complement: MYBPC3 is on the minus strand). VCF-style: chr11-47332588-C-T. GRCh37 (hg19) VCF-style: chr11-47354139-C-T.
Other names: short protein forms C1202Y.
Identifiers: ClinVar variation 164029 (VCV000164029.9), dbSNP rs727503170, ClinGen allele CA014449.